The following is an entry in ClinVar:

NM_014687.4(RUBCN):c.2429G>A (p.Arg810Gln)

Gene: RUBCN (rubicon autophagy regulator; minus strand). Cytogenetic location: 3q29.
Variant type: single nucleotide variant.
Coding change: c.2429G>A on transcript NM_014687.4 (MANE Select); coding-DNA position 2429, G replaced by A.
Protein change: p.Arg810Gln; replaces arginine 810 with glutamine.
Molecular consequence: missense variant.
Genome position (GRCh38, 1-based): chr3:197,681,130, C>T on the plus strand (G>A on the coding strand, the complement: RUBCN is on the minus strand). VCF-style: chr3-197681130-C-T. GRCh37 (hg19) VCF-style: chr3-197408001-C-T.
Other names: c.2294G>A (NM_001145642.3); c.2294G>A, p.Arg765Gln (NM_001145642.5); c.2546G>A, p.Arg849Gln (NM_001346873.2); short protein forms R849Q, R765Q, R810Q.
Identifiers: ClinVar variation 2397886 (VCV002397886.30), dbSNP rs141198920, ClinGen allele CA2786597.

ClinVar aggregate classification (germline): Conflicting classifications of pathogenicity. Review status: criteria provided, conflicting classifications (1 of 4 stars). 3 submissions from 3 submitters: Uncertain significance (2); Likely benign (1). Last evaluated 2023-02-01.

Allele frequency attached by ClinVar (database versions not stated): 1000 Genomes Project 0.00020; 1000 Genomes Project 30x 0.00031; ESP Exome Variant Server 0.00065; TOPMed 0.00069; gnomAD 0.00077.
gnomAD v4.1: 1,514 of 1,608,634 alleles (0.094%); highest among the groups gnomAD compares: Non-Finnish European, 0.11%; 1 homozygote.

Submissions (3):

CeGaT Center for Human Genetics Tuebingen
Classification: Likely benign. Last evaluated: 2023-02-01. Review status: criteria provided, single submitter. Criteria: CeGaT Center For Human Genetics Tuebingen Variant Classification Criteria Version 2. Collection method: clinical testing. Allele origin: germline. Affected: yes. Observed: 2 variant alleles.
Comment: RUBCN: BP4

Ambry Genetics
Classification: Uncertain significance. Last evaluated: 2022-11-09. Review status: criteria provided, single submitter. Criteria: Ambry Variant Classification Scheme 2023. Collection method: clinical testing. Allele origin: germline.

GeneDx
Classification: Uncertain significance. Last evaluated: 2022-10-12. Review status: criteria provided, single submitter. Criteria: GeneDx Variant Classification Process June 2021. Collection method: clinical testing. Allele origin: germline. Affected: yes.
Comment: In silico analysis supports that this missense variant has a deleterious effect on protein structure/function; Has not been previously published as pathogenic or benign to our knowledge